The following is an entry in ClinVar:

NM_001270974.2(HYDIN):c.3829_3832del (p.Leu1277fs)

Gene: HYDIN (HYDIN axonemal central pair apparatus protein; minus strand). Cytogenetic location: 16q22.2.
Variant type: Deletion.
Coding change: c.3829_3832del on transcript NM_001270974.2 (MANE Select); coding-DNA positions 3829 to 3832, 4 bases deleted (CTAA; older notation c.3829_3832delCTAA).
Protein change: p.Leu1277fs; shifts the reading frame from leucine 1277.
Molecular consequence: frameshift variant.
Genome position (GRCh38, 1-based): chr16:70,991,350-70,991,353, TTAG deleted on the plus strand (CTAA on the coding strand, the reverse complement: HYDIN is on the minus strand); deleting any 4 consecutive bases within chr16:70,991,350-70,991,355 gives the same sequence; the c. name uses the placement nearest the transcript's 3' end. VCF-style (leftmost placement, unchanged base first): chr16-70991349-CTTAG-C. GRCh37 (hg19) VCF-style: chr16-71025252-CTTAG-C.
Other names: short protein forms L1277fs.
Identifiers: ClinVar variation 2431690 (VCV002431690.1), dbSNP rs2507195850, ClinGen allele CA2580091959.
Genomic context (GRCh38, chr16:70,991,349, plus strand): 5'-CTACCCTCCCCATGGAAAGGACACCGTACATCTGAGATCACACTGGAAGCTTTCGTTTTT[CTTAG>C]TTCTTTTTCTTCAGGCCTGGCATCTTCATCCACAAGGACAGTCCTAGGAAGTTTAATGAA-3'

ClinVar aggregate classification (germline): Likely pathogenic (1 of 4 stars; one submission).

Conditions:
Primary ciliary dyskinesia 5. Also called: CILIARY DYSKINESIA, PRIMARY, 5, WITHOUT SITUS INVERSUS. Identifiers: Orphanet 244, MedGen C1837615, MONDO:0012088, OMIM 608647.

Submission:

Laboratorio de Genetica e Diagnostico Molecular, Hospital Israelita Albert Einstein
Classification: Likely pathogenic for Primary ciliary dyskinesia 5. Last evaluated: 2022-06-21. Review status: criteria provided, single submitter. Criteria: ACMG Guidelines, 2015. Collection method: clinical testing. Allele origin: germline. Affected: yes. Observed: 1 variant allele.
Comment: ACMG classification criteria: PVS1 very strong, PM2 moderated